The following is an entry in ClinVar:

NM_024408.4(NOTCH2):c.4980A>G (p.Ser1660=)

Gene: NOTCH2 (notch receptor 2; minus strand). Cytogenetic location: 1p12.
Variant type: single nucleotide variant.
Coding change: c.4980A>G on transcript NM_024408.4 (MANE Select); coding-DNA position 4980, A replaced by G.
Protein change: p.Ser1660=; no amino-acid change (serine 1660 retained).
Molecular consequence: synonymous variant.
Genome position (GRCh38, 1-based): chr1:119,922,658, T>C on the plus strand (A>G on the coding strand, the complement: NOTCH2 is on the minus strand). VCF-style: chr1-119922658-T-C. GRCh37 (hg19) VCF-style: chr1-120465281-T-C.
Other names: c.4980A>G (NM_024408.3).
Identifiers: ClinVar variation 3667708 (VCV003667708.3).

ClinVar aggregate classification (germline): Likely benign. Review status: criteria provided, multiple submitters, no conflicts (2 of 4 stars). 2 submissions from 2 submitters: Likely benign (2). Last evaluated 2025-01-15.

Conditions:
Hajdu-Cheney syndrome (HJCYS). Also called: ACROOSTEOLYSIS WITH OSTEOPOROSIS AND CHANGES IN SKULL AND MANDIBLE; SERPENTINE FIBULA-POLYCYSTIC KIDNEY SYNDROME; Acroosteolysis dominant type. Identifiers: Orphanet 955, MedGen C0917715, MONDO:0007057, OMIM 102500.
NOTCH2-related disorder. Also called: NOTCH2-related condition.

gnomAD v4.1: 64 of 1,614,024 alleles (0.004%); highest among the groups gnomAD compares: Non-Finnish European, 0.0048%; no homozygotes.

Submissions (2):

PreventionGenetics, part of Exact Sciences
Classification: Likely benign for NOTCH2-related condition. Last evaluated: 2025-01-15. Review status: criteria provided, single submitter. Criteria: ACMG Guidelines, 2015. Collection method: clinical testing. Allele origin: germline.
Comment: This variant is classified as likely benign based on ACMG/AMP sequence variant interpretation guidelines (Richards et al. 2015 PMID: 25741868, with internal and published modifications).

Labcorp Genetics (formerly Invitae), Labcorp
Classification: Likely benign for Hajdu-Cheney syndrome. Last evaluated: 2024-05-01. Review status: criteria provided, single submitter. Criteria: Invitae Variant Classification Sherloc (09022015). Collection method: clinical testing. Allele origin: germline.